The following is an entry in ClinVar:

NM_033109.5(PNPT1):c.2259G>T (p.Gln753His)

Gene: PNPT1 (polyribonucleotide nucleotidyltransferase 1; minus strand). Cytogenetic location: 2p16.1.
Variant type: single nucleotide variant.
Coding change: c.2259G>T on transcript NM_033109.5 (MANE Select); coding-DNA position 2259, G replaced by T.
Protein change: p.Gln753His; replaces glutamine 753 with histidine.
Molecular consequence: missense variant.
Genome position (GRCh38, 1-based): chr2:55,636,330, C>A on the plus strand (G>T on the coding strand, the complement: PNPT1 is on the minus strand). VCF-style: chr2-55636330-C-A. GRCh37 (hg19) VCF-style: chr2-55863465-C-A.
Other names: short protein forms Q753H.
Identifiers: ClinVar variation 2663712 (VCV002663712.1), dbSNP rs1572789693, ClinGen allele CA346923272.

ClinVar aggregate classification (germline): Uncertain significance (1 of 4 stars; one submission).

Allele frequency attached by ClinVar (database versions not stated): TOPMed below 0.00001.
gnomAD v4.1: 1 of 1,614,132 alleles (0.000062%); no homozygotes.

Submission:

GeneDx
Classification: Uncertain significance. Last evaluated: 2023-04-25. Review status: criteria provided, single submitter. Criteria: GeneDx Variant Classification Process June 2021. Collection method: clinical testing. Allele origin: germline. Affected: yes.
Comment: Not observed at significant frequency in large population cohorts (gnomAD); In silico analysis supports that this missense variant has a deleterious effect on protein structure/function; Has not been previously published as pathogenic or benign to our knowledge